The following is an entry in ClinVar:

NM_016292.3(TRAP1):c.1514G>A (p.Arg505His)

Genes: DNASE1 (deoxyribonuclease 1; plus strand), TRAP1 (TNF receptor associated protein 1; minus strand). Cytogenetic location: 16p13.3.
Variant type: single nucleotide variant.
Coding change: c.1514G>A on transcript NM_016292.3 (MANE Select); coding-DNA position 1514, G replaced by A.
Protein change: p.Arg505His; replaces arginine 505 with histidine.
Molecular consequence: missense variant. On other transcripts: 3 prime UTR variant (1).
Genome position (GRCh38, 1-based): chr16:3,664,329, C>T on the plus strand (G>A on the coding strand, the complement: TRAP1 is on the minus strand). VCF-style: chr16-3664329-C-T. GRCh37 (hg19) VCF-style: chr16-3714330-C-T.
Other names: c.1355G>A, p.Arg452His (NM_001272049.2); c.*1705C>T (NM_001387140.1); short protein forms R452H, R505H.
Identifiers: ClinVar variation 3604524 (VCV003604524.2).
Genomic context (GRCh38, chr16:3,664,329, plus strand): 5'-CCCACCTCTGTGTCTTTCTTCTTCATGGCCTCATAGTAGGGTGAGTGCTCTGCCAGGTGA[C>T]GGTTGGGGGCGCACAGGTAGTAGATGTTGCGGGTGCCGGCCCGCATGCGGCTGGCGTATT-3'
Protein context (NP_057376.2, residues 495-515): RNIYYLCAPN[Arg505His]HLAEHSPYYE

ClinVar aggregate classification (germline): Uncertain significance (1 of 4 stars; one submission).

gnomAD v4.1: 13 of 1,612,060 alleles (0.00081%); highest among the groups gnomAD compares: African/African-American, 0.004%; no homozygotes.

Submission:

Labcorp Genetics (formerly Invitae), Labcorp
Classification: Uncertain significance. Last evaluated: 2024-10-25. Review status: criteria provided, single submitter. Criteria: Invitae Variant Classification Sherloc (09022015). Collection method: clinical testing. Allele origin: germline.
Comment: This sequence change replaces arginine, which is basic and polar, with histidine, which is basic and polar, at codon 505 of the TRAP1 protein (p.Arg505His). The frequency data for this variant in the population databases is considered unreliable, as metrics indicate poor data quality at this position in the gnomAD database. This variant has not been reported in the literature in individuals affected with TRAP1-related conditions. Invitae Evidence Modeling of protein sequence and biophysical properties (such as structural, functional, and spatial information, amino acid conservation, physicochemical variation, residue mobility, and thermodynamic stability) indicates that this missense variant is expected to disrupt TRAP1 protein function with a positive predictive value of 80%. In summary, the available evidence is currently insufficient to determine the role of this variant in disease. Therefore, it has been classified as a Variant of Uncertain Significance.